The following is an entry in ClinVar:

ClinVar aggregate classification (germline): Uncertain significance. Review status: criteria provided, multiple submitters, no conflicts (2 of 4 stars). 2 submissions from 2 submitters: Uncertain significance (2). Last evaluated 2024-11-13.

Allele frequency attached by ClinVar (database versions not stated): gnomAD exomes below 0.00001 and 0.00002; gnomAD 0.00001; TOPMed 0.00001.
gnomAD v4.1: 27 of 1,613,544 alleles (0.0017%); highest among the groups gnomAD compares: Admixed American, 0.0033%; no homozygotes.

Submissions (2):

GeneDx
Classification: Uncertain significance. Last evaluated: 2024-11-13. Review status: criteria provided, single submitter. Criteria: GeneDx Variant Classification Process June 2021. Collection method: clinical testing. Allele origin: germline. Affected: yes.
Comment: Not observed at significant frequency in large population cohorts (gnomAD); In silico analysis supports a deleterious effect on splicing; In silico analysis indicates that this missense variant does not alter protein structure/function; Has not been previously published as pathogenic or benign to our knowledge

Labcorp Genetics (formerly Invitae), Labcorp
Classification: Uncertain significance. Last evaluated: 2023-10-13. Review status: criteria provided, single submitter. Criteria: Invitae Variant Classification Sherloc (09022015). Collection method: clinical testing. Allele origin: germline.
Comment: This sequence change replaces threonine, which is neutral and polar, with alanine, which is neutral and non-polar, at codon 831 of the ASPM protein (p.Thr831Ala). This variant is present in population databases (no rsID available, gnomAD 0.003%). This variant has not been reported in the literature in individuals affected with ASPM-related conditions. ClinVar contains an entry for this variant (Variation ID: 1403186). Advanced modeling of protein sequence and biophysical properties (such as structural, functional, and spatial information, amino acid conservation, physicochemical variation, residue mobility, and thermodynamic stability) performed at Invitae indicates that this missense variant is not expected to disrupt ASPM protein function. Algorithms developed to predict the effect of sequence changes on RNA splicing suggest that this variant may create or strengthen a splice site. In summary, the available evidence is currently insufficient to determine the role of this variant in disease. Therefore, it has been classified as a Variant of Uncertain Significance.

NM_018136.5(ASPM):c.2491A>G (p.Thr831Ala)

Gene: ASPM (assembly factor for spindle microtubules; minus strand). Cytogenetic location: 1q31.3.
Variant type: single nucleotide variant.
Coding change: c.2491A>G on transcript NM_018136.5 (MANE Select); coding-DNA position 2491, A replaced by G.
Protein change: p.Thr831Ala; replaces threonine 831 with alanine.
Molecular consequence: missense variant.
Genome position (GRCh38, 1-based): chr1:197,130,053, T>C on the plus strand (A>G on the coding strand, the complement: ASPM is on the minus strand). VCF-style: chr1-197130053-T-C. GRCh37 (hg19) VCF-style: chr1-197099183-T-C.
Other names: c.2491A>G, p.Thr831Ala (NM_001206846.2); c.2491A>G (NM_018136.4); short protein forms T831A.
Identifiers: ClinVar variation 1403186 (VCV001403186.9), dbSNP rs1005582054, ClinGen allele CA35887044.